The following is an entry in ClinVar:

ClinVar aggregate classification (germline): Uncertain significance (1 of 4 stars; one submission).

Submission:

Ambry Genetics
Classification: Uncertain significance. Last evaluated: 2024-02-25. Review status: criteria provided, single submitter. Criteria: Ambry Variant Classification Scheme 2023. Collection method: clinical testing. Allele origin: germline.
Comment: The p.I1061F variant (also known as c.3181A>T), located in coding exon 28 of the KIF1B gene, results from an A to T substitution at nucleotide position 3181. The isoleucine at codon 1061 is replaced by phenylalanine, an amino acid with highly similar properties. This amino acid position is conserved. In addition, this alteration is predicted to be tolerated by in silico analysis. Based on the available evidence, the clinical significance of this alteration remains unclear.

NM_001365951.3(KIF1B):c.3319A>T (p.Ile1107Phe)

Gene: KIF1B (kinesin family member 1B; plus strand). Cytogenetic location: 1p36.22.
Variant type: single nucleotide variant.
Coding change: c.3319A>T on transcript NM_001365951.3 (MANE Select); coding-DNA position 3319, A replaced by T.
Protein change: p.Ile1107Phe; replaces isoleucine 1107 with phenylalanine.
Molecular consequence: missense variant.
Genome position (GRCh38, 1-based): chr1:10,337,430, A>T. VCF-style: chr1-10337430-A-T. GRCh37 (hg19) VCF-style: chr1-10397488-A-T.
Other names: c.3319A>T, p.Ile1107Phe (NM_001365952.1); c.3181A>T, p.Ile1061Phe (NM_015074.3); short protein forms I1061F, I1107F.
Identifiers: ClinVar variation 3226442 (VCV003226442.1), dbSNP rs2521721748, ClinGen allele CA338340461.